The following is an entry in ClinVar:

NM_000384.3(APOB):c.9500A>C (p.Gln3167Pro)

Gene: APOB (apolipoprotein B; minus strand). Cytogenetic location: 2p24.1.
Variant type: single nucleotide variant.
Coding change: c.9500A>C on transcript NM_000384.3 (MANE Select); coding-DNA position 9500, A replaced by C.
Protein change: p.Gln3167Pro; replaces glutamine 3167 with proline.
Molecular consequence: missense variant.
Genome position (GRCh38, 1-based): chr2:21,007,368, T>G on the plus strand (A>C on the coding strand, the complement: APOB is on the minus strand). VCF-style: chr2-21007368-T-G. GRCh37 (hg19) VCF-style: chr2-21230240-T-G.
Other names: short protein forms Q3167P.
Identifiers: ClinVar variation 3572079 (VCV003572079.2).

ClinVar aggregate classification (germline): Conflicting classifications of pathogenicity. Review status: criteria provided, conflicting classifications (1 of 4 stars). 2 submissions from 2 submitters: Uncertain significance (1); Likely benign (1). Last evaluated 2025-05-07.

Conditions:
Familial hypobetalipoproteinemia 1. Also called: Hypobetalipoproteinemia, normotriglyceridemic; Acanthocytosis with hypobetalipoproteinemia; APOB-Related Familial Hypobetalipoproteinemia. Identifiers: MedGen C4551990, MONDO:0014252, OMIM 615558.
Hypercholesterolemia, autosomal dominant, type B (FHCL2). Also called: Familial hypercholesterolemia 2; Familial Hypercholesterolemia Type B; APOLIPOPROTEIN B-100, FAMILIAL DEFECTIVE; APOLIPOPROTEIN B-100, FAMILIAL LIGAND-DEFECTIVE; HYPERCHOLESTEROLEMIA, FAMILIAL, DUE TO LIGAND-DEFECTIVE APOLIPOPROTEIN B; Hyperlipoproteinemia Type IIb. Identifiers: MedGen C1704417, MONDO:0007751, OMIM 144010.

gnomAD v4.1: 2 of 1,614,100 alleles (0.00012%); highest among the groups gnomAD compares: Admixed American, 0.0017%; no homozygotes.

Submissions (2):

Labcorp Genetics (formerly Invitae), Labcorp
Classification: Likely benign for Familial hypobetalipoproteinemia 1; Hypercholesterolemia, autosomal dominant, type B. Last evaluated: 2025-05-07. Review status: criteria provided, single submitter. Criteria: Invitae Variant Classification Sherloc (09022015). Collection method: clinical testing. Allele origin: germline.

Quest Diagnostics Nichols Institute San Juan Capistrano
Classification: Uncertain significance. Last evaluated: 2024-06-28. Review status: criteria provided, single submitter. Criteria: Quest Diagnostics criteria. Collection method: clinical testing. Allele origin: unknown.
Comment: The APOB c.9500A>C (p.Gln3167Pro) variant has not been reported in individuals with APOB-related conditions in the published literature. The frequency of this variant in the general population, 0.000004 (1/251208 chromosomes (Genome Aggregation Database)), is uninformative in the assessment of its pathogenicity. Analysis of this variant using bioinformatics tools for the prediction of the effect of amino acid changes on protein structure and function yielded predictions that this variant is damaging. Based on the available information, we are unable to determine the clinical significance of this variant.